The following is an entry in ClinVar:

NM_007194.4(CHEK2):c.118_133del (p.Ser40fs)

Gene: CHEK2 (checkpoint kinase 2; minus strand). Cytogenetic location: 22q12.1.
Variant type: Deletion.
Coding change: c.118_133del on transcript NM_007194.4 (MANE Select); coding-DNA positions 118 to 133, 16 bases deleted (AGCTCCTCTACCAGCA).
Protein change: p.Ser40fs; shifts the reading frame from serine 40.
Molecular consequence: frameshift variant.
Genome position (GRCh38, 1-based): chr22:28,734,589-28,734,604, TGCTGGTAGAGGAGCT deleted on the plus strand (AGCTCCTCTACCAGCA on the coding strand, the reverse complement: CHEK2 is on the minus strand). VCF-style (leftmost placement, unchanged base first): chr22-28734588-GTGCTGGTAGAGGAGCT-G. GRCh37 (hg19) VCF-style: chr22-29130576-GTGCTGGTAGAGGAGCT-G.
Other names: c.118_133del16, p.Ser40Argfs (NM_001005735.3, NM_001349956.3, NM_145862.3); c.-660_-645del16 (NM_001257387.3); short protein forms S40fs.
Identifiers: ClinVar variation 580257 (VCV000580257.7), dbSNP rs1569171106, ClinGen allele CA891844564.
Genomic context (GRCh38, chr22:28,734,588, plus strand): 5'-GTCTCTAAGGAGCTCAGTGTCCCAGAGCTGGAGTGAGAGGACTGGCTGGAGTTTGGCATC[GTGCTGGTAGAGGAGCT>G]GGATATGCCCTGGGACTGTGAGGAGGAGCCTTGGGACTGGGTAACGCTGCCATGGGGCTG-3'

ClinVar aggregate classification (germline): Pathogenic (1 of 4 stars; one submission).

Conditions:
Familial cancer of breast. Also called: BREAST CANCER, FAMILIAL; hereditary breast carcinoma; Hereditary breast cancer. Identifiers: Orphanet 227535, MedGen C0346153, MONDO:0016419, OMIM 114480. Disease mechanism: loss of function.

Submission:

Labcorp Genetics (formerly Invitae), Labcorp
Classification: Pathogenic for Familial cancer of breast. Last evaluated: 2018-01-24. Review status: criteria provided, single submitter. Criteria: Invitae Variant Classification Sherloc (09022015). Collection method: clinical testing. Allele origin: germline.
Comment: Loss-of-function variants in CHEK2 are known to be pathogenic (PMID: 21876083, 24713400). This variant is not present in population databases (ExAC no frequency). This variant has not been reported in the literature in individuals with CHEK2-related disease. This sequence change creates a premature translational stop signal (p.Ser40Argfs*16) in the CHEK2 gene. It is expected to result in an absent or disrupted protein product. For these reasons, this variant has been classified as Pathogenic.

Literature cited by the submitters: PubMed 21876083; PubMed 24713400.